The following is an entry in ClinVar:

NM_004655.4(AXIN2):c.262G>C (p.Asp88His)

Gene: AXIN2 (axin 2; minus strand). Cytogenetic location: 17q24.1.
Variant type: single nucleotide variant.
Coding change: c.262G>C on transcript NM_004655.4 (MANE Select); coding-DNA position 262, G replaced by C.
Protein change: p.Asp88His; replaces aspartic acid 88 with histidine.
Molecular consequence: missense variant.
Genome position (GRCh38, 1-based): chr17:65,558,359, C>G on the plus strand (G>C on the coding strand, the complement: AXIN2 is on the minus strand). VCF-style: chr17-65558359-C-G. GRCh37 (hg19) VCF-style: chr17-63554477-C-G.
Other names: c.262G>C, p.Asp88His (NM_001363813.1); short protein forms D88H.
Identifiers: ClinVar variation 1721198 (VCV001721198.7), dbSNP rs752743306, ClinGen allele CA8719074.

ClinVar aggregate classification (germline): Uncertain significance. Review status: criteria provided, multiple submitters, no conflicts (2 of 4 stars). 2 submissions from 2 submitters: Uncertain significance (2). Last evaluated 2022-11-03.

Conditions:
Hereditary cancer-predisposing syndrome. Also called: Hereditary neoplastic syndrome; Neoplastic Syndromes, Hereditary; Hereditary Cancer Syndrome; Tumor predisposition. Identifiers: Orphanet 140162, MedGen C0027672, MeSH D009386, MONDO:0015356.
Oligodontia-cancer predisposition syndrome. Also called: TOOTH AGENESIS-COLORECTAL CANCER SYNDROME. Identifiers: Orphanet 300576, MedGen C1837750, MONDO:0012075, OMIM 608615. Disease mechanism: loss of function.

Allele frequency attached by ClinVar (database versions not stated): gnomAD exomes below 0.00001; ExAC 0.00001.

Submissions (2):

Ambry Genetics
Classification: Uncertain significance for Hereditary cancer-predisposing syndrome. Last evaluated: 2022-11-03. Review status: criteria provided, single submitter. Criteria: Ambry Variant Classification Scheme 2023. Collection method: clinical testing. Allele origin: germline.
Comment: The p.D88H variant (also known as c.262G>C), located in coding exon 1 of the AXIN2 gene, results from a G to C substitution at nucleotide position 262. The aspartic acid at codon 88 is replaced by histidine, an amino acid with similar properties. This amino acid position is conserved. In addition, the in silico prediction for this alteration is inconclusive. Since supporting evidence is limited at this time, the clinical significance of this alteration remains unclear.

Labcorp Genetics (formerly Invitae), Labcorp
Classification: Uncertain significance for Oligodontia-cancer predisposition syndrome. Last evaluated: 2022-10-07. Review status: criteria provided, single submitter. Criteria: Invitae Variant Classification Sherloc (09022015). Collection method: clinical testing. Allele origin: germline.
Comment: In summary, the available evidence is currently insufficient to determine the role of this variant in disease. Therefore, it has been classified as a Variant of Uncertain Significance. This sequence change replaces aspartic acid, which is acidic and polar, with histidine, which is basic and polar, at codon 88 of the AXIN2 protein (p.Asp88His). This variant is present in population databases (rs752743306, gnomAD 0.0009%). This variant has not been reported in the literature in individuals affected with AXIN2-related conditions. Advanced modeling of protein sequence and biophysical properties (such as structural, functional, and spatial information, amino acid conservation, physicochemical variation, residue mobility, and thermodynamic stability) performed at Invitae indicates that this missense variant is expected to disrupt AXIN2 protein function.